The following is an entry in ClinVar:

NM_001005242.3(PKP2):c.746G>A (p.Ser249Asn)

Gene: PKP2 (plakophilin 2; minus strand). Cytogenetic location: 12p11.21.
Variant type: single nucleotide variant.
Coding change: c.746G>A on transcript NM_001005242.3 (MANE Select); coding-DNA position 746, G replaced by A.
Protein change: p.Ser249Asn; replaces serine 249 with asparagine.
Molecular consequence: missense variant.
Genome position (GRCh38, 1-based): chr12:32,878,134, C>T on the plus strand (G>A on the coding strand, the complement: PKP2 is on the minus strand). VCF-style: chr12-32878134-C-T. GRCh37 (hg19) VCF-style: chr12-33031068-C-T.
Other names: c.746G>A (NM_001005242.2); c.746G>A, p.Ser249Asn (NM_004572.4); short protein forms S249N.
Identifiers: ClinVar variation 427088 (VCV000427088.23), dbSNP rs1085307949, ClinGen allele CA384362812.

ClinVar aggregate classification (germline): Uncertain significance. Review status: criteria provided, multiple submitters, no conflicts (2 of 4 stars). 8 submissions from 8 submitters: Uncertain significance (8). Last evaluated 2025-08-15.

Conditions:
Cardiomyopathy (CMYO). Also called: Cardiomyopathies. Identifiers: Orphanet 167848, MedGen C0878544, MONDO:0004994, HP:0001638. Inheritance: Various modes of inheritance.
Arrhythmogenic right ventricular dysplasia 9 (ARVD9). Also called: Arrhythmogenic Right Ventricular Dysplasia/Cardiomyopathy 9; ARRHYTHMOGENIC RIGHT VENTRICULAR DYSPLASIA, FAMILIAL, 9. Identifiers: MedGen C1836906, MONDO:0012180, OMIM 609040.
Cardiovascular phenotype. Identifiers: MedGen CN230736.

Allele frequency attached by ClinVar (database versions not stated): gnomAD 0.00001; gnomAD exomes 0.00001 and 0.00004; TOPMed 0.00002.
gnomAD v4.1: 58 of 1,614,136 alleles (0.0036%); highest among the groups gnomAD compares: Middle Eastern, 0.016%; no homozygotes.

Submissions (8):

Labcorp Genetics (formerly Invitae), Labcorp
Classification: Uncertain significance for Arrhythmogenic right ventricular dysplasia 9. Last evaluated: 2025-08-15. Review status: criteria provided, single submitter. Criteria: Invitae Variant Classification Sherloc (09022015). Collection method: clinical testing. Allele origin: germline.
Comment: This sequence change replaces serine, which is neutral and polar, with asparagine, which is neutral and polar, at codon 249 of the PKP2 protein (p.Ser249Asn). This variant is present in population databases (no rsID available, gnomAD 0.003%). This missense change has been observed in individual(s) with PKP2-related conditions (PMID: 25616645, 29456632, 31983221). ClinVar contains an entry for this variant (Variation ID: 427088). An algorithm developed to predict the effect of missense changes on protein structure and function (PolyPhen-2) suggests that this variant is likely to be disruptive. This variant disrupts the p.Ser249 amino acid residue in PKP2. Other variant(s) that disrupt this residue have been determined to be pathogenic (PMID: 25765472, 30830208). This suggests that this residue is clinically significant, and that variants that disrupt this residue are likely to be disease-causing. In summary, the available evidence is currently insufficient to determine the role of this variant in disease. Therefore, it has been classified as a Variant of Uncertain Significance.

Molecular Diagnostic Laboratory for Inherited Cardiovascular Disease, Montreal Heart Institute
Classification: Uncertain significance for Cardiovascular phenotype. Last evaluated: 2025-04-09. Review status: criteria provided, single submitter. Criteria: ACMG Guidelines, 2015. Collection method: clinical testing. Allele origin: germline. Affected: yes.

Ambry Genetics
Classification: Uncertain significance for Cardiovascular phenotype. Last evaluated: 2025-03-25. Review status: criteria provided, single submitter. Criteria: Ambry Variant Classification Scheme 2023. Collection method: clinical testing. Allele origin: germline.
Comment: The p.S249N variant (also known as c.746G>A), located in coding exon 3 of the PKP2 gene, results from a G to A substitution at nucleotide position 746. The serine at codon 249 is replaced by asparagine, an amino acid with highly similar properties. This variant has been detected in a dilated cardiomyopathy cohort and in an individual from an arrhythmogenic right ventricular cardiomyopathy cohort who also was reported to have a deletion in the PKP2 gene (Bhonsale A et al. Eur Heart J, 2015 Apr;36:847-55; Mazzarotto F et al. Circulation, 2020 02;141:387-398). This amino acid position is highly conserved in available vertebrate species. In addition, this alteration is predicted to be tolerated by in silico analysis. Since supporting evidence is limited at this time, the clinical significance of this alteration remains unclear.

Victorian Clinical Genetics Services, Murdoch Childrens Research Institute
Classification: Uncertain significance for Arrhythmogenic right ventricular dysplasia 9. Last evaluated: 2024-09-23. Review status: criteria provided, single submitter. Criteria: ACMG Guidelines, 2015. Collection method: clinical testing. Allele origin: germline. Inheritance: Autosomal dominant inheritance. Affected: yes.
Comment: Based on the classification scheme VCGS_Germline_v1.3.4, this variant is classified as VUS-3B. Following criteria are met: 0102 - Loss of function is a known mechanism of disease in this gene and is associated with arrhythmogenic right ventricular dysplasia 9 (ARVD; MIM#609040). (I) 0107 - This gene is associated with autosomal dominant disease. (I) 0112 - The condition associated with this gene has incomplete penetrance (PMIDs: 17010805, 23183494). (I) 0200 - Variant is predicted to result in a missense amino acid change from serine to asparagine. (I) 0251 - This variant is heterozygous. (I) 0302 - Variant is present in gnomAD (v2) <0.001 for a dominant condition (2 heterozygotes, 0 homozygotes). (SP) 0502 - Missense variant with conflicting in silico predictions and high conservation. (I) 0604 - Variant is not located in an established domain, motif, hotspot or informative constraint region. (I) 0704 - Another missense variant comparable to the one identified in this case has limited previous evidence for pathogenicity. This alternative change, p.(Ser249Thr), has been reported as a VUS (LOVD), and has been observed in at least three individuals with arrhythmogenic right ventricular dysplasia or arrhythmogenic cardiomyopathy. One individual had an additional variant in the PKP2 gene and reduced protein expression greater than 50% (PMIDs: 24125834, 25765472, 29456632). Another alternative change, p.(Ser249Ile), has been reported as a VUS (ClinVar). (SP) 0809 - Previous evidence of pathogenicity for this variant is inconclusive. This variant has been reported as a VUS and as likely pathogenic (ClinVar, LOVD). It has been observed in five unrelated individuals where two had cardiomyopathy, two had an alternative diagnosis and another individual was unaffected (Invitae, personal communication). It has also been observed in a single individual with ARVD, who had an additional exon deletion in the PKP2 gene, and in two individuals with dilated cardiomyopathy (PMIDs: 25616645, 25820315, 31983221). (I) 0905 - No published segregation evidence has been identified for this variant. (I) 1007 - No published functional evidence has been identified for this variant. (I) 1208 - Inheritance information for this variant is not currently available in this individual. (I) Legend: (SP) - Supporting pathogenic, (I) - Information, (SB) - Supporting benign

Color Diagnostics, LLC DBA Color Health
Classification: Uncertain significance for Cardiomyopathy. Last evaluated: 2023-12-04. Review status: criteria provided, single submitter. Criteria: ACMG Guidelines, 2015. Collection method: clinical testing. Allele origin: germline.
Comment: This missense variant replaces serine with asparagine at codon 249 of the PKP2 protein. Computational prediction suggests that this variant may have deleterious impact on protein structure and function. To our knowledge, functional studies have not been reported for this variant. This variant has been reported in compound heterozygous state with a pathogenic PKP2 variant in an individual affected with arrhythmogenic right ventricular cardiomyopathy (PMID: 25820315, 37418234). This variant has been identified in 2/251246 chromosomes in the general population by the Genome Aggregation Database (gnomAD). The available evidence is insufficient to determine the role of this variant in disease conclusively. Therefore, this variant is classified as a Variant of Uncertain Significance.

Women's Health and Genetics/Laboratory Corporation of America, LabCorp
Classification: Uncertain significance. Last evaluated: 2023-03-27. Review status: criteria provided, single submitter. Criteria: LabCorp Variant Classification Summary - May 2015. Collection method: clinical testing. Allele origin: germline.
Comment: Variant summary: PKP2 c.746G>A (p.Ser249Asn) results in a conservative amino acid change in the encoded protein sequence. Three of five in-silico tools predict a damaging effect of the variant on protein function. The variant allele was found at a frequency of 8e-06 in 251246 control chromosomes (gnomAD). The available data on variant occurrences in the general population are insufficient to allow any conclusion about variant significance. c.746G>A has been reported in the literature in individuals affected with Cardiomyopathy, including one individual who also carried a pathogenic PKP2 exon 8 deletion (Bhonsale_2015, Mazzarotto_2020, Dries_2021). These report(s) do not provide unequivocal conclusions about association of the variant with Arrhythmogenic Right Ventricular Dysplasia/Cardiomyopathy. To our knowledge, no experimental evidence demonstrating an impact on protein function has been reported. Five clinical diagnostic laboratories have submitted clinical-significance assessments for this variant to ClinVar after 2014 and classified the variant as uncertain significance. Based on the evidence outlined above, the variant was classified as uncertain significance.

CHEO Genetics Diagnostic Laboratory, Children's Hospital of Eastern Ontario
Classification: Uncertain significance for Cardiomyopathy. Last evaluated: 2023-03-03. Review status: criteria provided, single submitter. Criteria: ACMG Guidelines, 2015. Collection method: clinical testing. Allele origin: germline.

GeneDx
Classification: Uncertain significance. Last evaluated: 2017-06-26. Review status: criteria provided, single submitter. Criteria: GeneDx Variant Classification (06012015). Collection method: clinical testing. Allele origin: germline. Affected: yes.
Comment: The S249N variant in the PKP2 gene has been reported in one individual, who also harbored a deletion of exon 8 in the PKP2 gene, from a ARVC registry cohort (Bhonsale et al., 2015). Not all individuals in this cohort were diagnosed with definite ARVC, and specific clinical details about this proband were not provided. The S249N variant is not observed in large population cohorts (Lek et al., 2016; 1000 Genomes Consortium et al., 2015; Exome Variant Server). This substitution occurs at a position that is conserved across species, and the majority (2 out of 3) of in silico analyses predict this variant is probably damaging to the protein structure/function. Nevertheless, the S249N variant is a conservative amino acid substitution, which is not likely to impact secondary protein structure as these residues share similar properties. A missense variant at the same residue (S249T) has been reported in the Human Gene Mutation Database in association with ARVC (Stenson et al., 2014), though the precise clinical significance of this variant has not been determined.

Literature cited by the submitters: PubMed 25616645 (cited by 4 submitters); PubMed 29456632 (cited by Labcorp Genetics (formerly Invitae), Labcorp and Victorian Clinical Genetics Services, Murdoch Childrens Research Institute); PubMed 31983221 (cited by 4 submitters); PubMed 25765472 (cited by Labcorp Genetics (formerly Invitae), Labcorp and Victorian Clinical Genetics Services, Murdoch Childrens Research Institute); PubMed 30830208 (cited by Labcorp Genetics (formerly Invitae), Labcorp); PubMed 37418234 (cited by Ambry Genetics and Color Diagnostics, LLC DBA Color Health); PubMed 39260623 (cited by Ambry Genetics); PubMed 17010805 (cited by Victorian Clinical Genetics Services, Murdoch Childrens Research Institute); PubMed 23183494 (cited by Victorian Clinical Genetics Services, Murdoch Childrens Research Institute); PubMed 24125834 (cited by Victorian Clinical Genetics Services, Murdoch Childrens Research Institute); PubMed 25820315 (cited by Victorian Clinical Genetics Services, Murdoch Childrens Research Institute and Color Diagnostics, LLC DBA Color Health); PubMed 34120153 (cited by Women's Health and Genetics/Laboratory Corporation of America, LabCorp).